The following is an entry in ClinVar:

NM_001953.5(TYMP):c.937C>G (p.Leu313Val)

Genes: TYMP (thymidine phosphorylase; minus strand), LOC130067862 (ATAC-STARR-seq lymphoblastoid silent region 13986; plus strand). Cytogenetic location: 22q13.33.
Variant type: single nucleotide variant.
Coding change: c.937C>G on transcript NM_001953.5 (MANE Select); coding-DNA position 937, C replaced by G.
Protein change: p.Leu313Val; replaces leucine 313 with valine.
Molecular consequence: missense variant.
Genome position (GRCh38, 1-based): chr22:50,526,468, G>C on the plus strand (C>G on the coding strand, the complement: TYMP is on the minus strand). VCF-style: chr22-50526468-G-C. GRCh37 (hg19) VCF-style: chr22-50964897-G-C.
Other names: c.937C>G, p.Leu313Val (NM_001113755.3, NM_001113756.3, NM_001257988.1 and 1 more transcripts); short protein forms L313V.
Identifiers: ClinVar variation 1489817 (VCV001489817.5), dbSNP rs1323432872, ClinGen allele CA412198341.
Genomic context (GRCh38, chr22:50,526,468, plus strand): 5'-CCGCGGCCACCCGGGCAGCGCCCTGGGCCTGAGTCCCCGCGTGTCCGCTGAGCCAGAGCA[G>C]GGCGCCCCCTGCGGGCGGGGACGGGTCTTAGGCGCGGCCGGGTCGGGGCGGCCCCAGCGG-3'
Protein context (NP_001944.1, residues 303-323): RDLVTTLGGA[Leu313Val]LWLSGHAGTQ

ClinVar aggregate classification (germline): Uncertain significance (1 of 4 stars; one submission).

Allele frequency attached by ClinVar (database versions not stated): gnomAD exomes 0.00001.
gnomAD v4.1: 2 of 1,492,910 alleles (0.00013%); highest among the groups gnomAD compares: Admixed American, 0.0045%; no homozygotes.

Submission:

Labcorp Genetics (formerly Invitae), Labcorp
Classification: Uncertain significance. Last evaluated: 2021-09-01. Review status: criteria provided, single submitter. Criteria: Invitae Variant Classification Sherloc (09022015). Collection method: clinical testing. Allele origin: germline.
Comment: This sequence change replaces leucine with valine at codon 313 of the TYMP protein (p.Leu313Val). The leucine residue is weakly conserved and there is a small physicochemical difference between leucine and valine. The frequency data for this variant in the population databases is considered unreliable, as metrics indicate insufficient coverage at this position in the ExAC database. This variant has not been reported in the literature in individuals affected with TYMP-related conditions. Advanced modeling of protein sequence and biophysical properties (such as structural, functional, and spatial information, amino acid conservation, physicochemical variation, residue mobility, and thermodynamic stability) performed at Invitae indicates that this missense variant is not expected to disrupt TYMP protein function. In summary, the available evidence is currently insufficient to determine the role of this variant in disease. Therefore, it has been classified as a Variant of Uncertain Significance.